The following is an entry in ClinVar:

NM_004523.4(KIF11):c.2907AGA[1] (p.Glu971del)

Gene: KIF11 (kinesin family member 11; plus strand). Cytogenetic location: 10q23.33.
Variant type: Microsatellite.
Coding change: c.2907AGA[1] on transcript NM_004523.4 (MANE Select); one copy of the 3-base unit AGA starting at c.2907; the reference has two copies in a row; one copy, 3 bases deleted.
Protein change: p.Glu971del; deletes glutamic acid 971.
Molecular consequence: inframe deletion.
Genome position (GRCh38, 1-based): chr10:92,649,974-92,649,976, AGA deleted; deleting any 3 consecutive bases within chr10:92,649,970-92,649,976 gives the same sequence; the position shown is the placement nearest the transcript's 3' end. VCF-style (leftmost placement, unchanged base first): chr10-92649969-AAAG-A. GRCh37 (hg19) VCF-style: chr10-94409726-AAAG-A.
Other names: short protein forms E971del.
Identifiers: ClinVar variation 1418921 (VCV001418921.9), dbSNP rs1844963342, ClinGen allele CA1928271091.
Genomic context (GRCh38, chr10:92,649,969, plus strand): 5'-GATCAGCTGAAAAGGAAACAGCCTGAGCTGTTAATGATGCTAAACTGTTCAGAAAACAAC[AAAG>A]AAGAGACAATTCCGGTAAATTTAAAGGATCATATTTTATAATAGAACTCTTTTATGAACT-3'

ClinVar aggregate classification (germline): Uncertain significance. Review status: criteria provided, multiple submitters, no conflicts (2 of 4 stars). 2 submissions from 2 submitters: Uncertain significance (2). Last evaluated 2026-08-06.

Conditions:
Microcephaly with or without chorioretinopathy, lymphedema, or impaired intellectual development. Also called: Microcephaly with or without chorioretinopathy, lymphedema, or intellectual disability; Microcephaly with or without chorioretinopathy, lymphedema, or mental retardation; Microcephaly lymphedema chorioretinal dysplasia; MICROCEPHALY AND CHORIORETINOPATHY WITH OR WITHOUT MENTAL RETARDATION, AUTOSOMAL DOMINANT; MICROCEPHALY, LYMPHEDEMA, CHORIORETINAL DYSPLASIA SYNDROME. Identifiers: Orphanet 2526, MedGen C1835265, MONDO:0007918, OMIM 152950.

Submissions (2):

OLLIN Analises Genomicas, OLLIN
Classification: Uncertain significance for Microcephaly with or without chorioretinopathy, lymphedema, or impaired intellectual development. Last evaluated: 2026-08-06. Review status: criteria provided, single submitter. Criteria: ACMG Guidelines 2015 PMID 25741868. Collection method: clinical testing. Allele origin: germline.
Comment: This in-frame deletion, located in exon 20 (of 22), has been reported in ClinVar (accession VCV001418921.8) and in gnomAD with an allele frequency of 0.00056%. However, to our knowledge, it has not been reported in the scientific literature. This variant removes 1 amino acid, preserving the reading frame and leading to a reduced protein length. According to the currently available evidence, this variant has been classified as uncertain significance (PM2_P, PM4).

Labcorp Genetics (formerly Invitae), Labcorp
Classification: Uncertain significance. Last evaluated: 2026-01-07. Review status: criteria provided, single submitter. Criteria: Invitae Variant Classification Sherloc (09022015). Collection method: clinical testing. Allele origin: germline.
Comment: This variant, c.2910_2912del, results in the deletion of 1 amino acid(s) of the KIF11 protein (p.Glu971del), but otherwise preserves the integrity of the reading frame. This variant is not present in population databases (gnomAD no frequency). This variant has not been reported in the literature in individuals affected with KIF11-related conditions. Experimental studies and prediction algorithms are not available or were not evaluated, and the functional significance of this variant is currently unknown. In summary, the available evidence is currently insufficient to determine the role of this variant in disease. Therefore, it has been classified as a Variant of Uncertain Significance.